The following is an entry in ClinVar:

ClinVar aggregate classification (germline): Likely pathogenic. Review status: criteria provided, multiple submitters, no conflicts (2 of 4 stars). 2 submissions from 2 submitters: Likely pathogenic (2). Last evaluated 2022-05-12.

Conditions:
Ehlers-Danlos syndrome, type 4 (EDSVASC). Also called: Ehlers-Danlos syndrome vascular type; Ehlers Danlos syndrome, ecchymotic type; Ehlers Danlos syndrome, arterial type; Ehlers Danlos syndrome, Sack-Barabas type; Ehlers-Danlos Syndrome Type IV. Identifiers: Orphanet 286, MedGen C0268338, MONDO:0017314, OMIM 130050.
Familial thoracic aortic aneurysm and aortic dissection (TAAD). Also called: Thoracic aortic aneurysms and dissections. Identifiers: Orphanet 91387, MedGen C4707243, MONDO:0019625.

Submissions (2):

Labcorp Genetics (formerly Invitae), Labcorp
Classification: Likely pathogenic for Ehlers-Danlos syndrome, type 4. Last evaluated: 2022-05-12. Review status: criteria provided, single submitter. Criteria: Invitae Variant Classification Sherloc (09022015). Collection method: clinical testing. Allele origin: germline.
Comment: In summary, the currently available evidence indicates that the variant is pathogenic, but additional data are needed to prove that conclusively. Therefore, this variant has been classified as Likely Pathogenic. This variant disrupts the triple helix domain of COL3A1. Glycine residues within the Gly-Xaa-Yaa repeats of the triple helix domain are required for the structure and stability of fibrillar collagens (PMID: 7695699, 8218237, 19344236). In COL3A1, variants that affect these glycine residues are significantly enriched in individuals with disease (PMID: 24922459, 25758994) compared to the general population (ExAC). Advanced modeling of protein sequence and biophysical properties (such as structural, functional, and spatial information, amino acid conservation, physicochemical variation, residue mobility, and thermodynamic stability) performed at Invitae indicates that this missense variant is expected to disrupt COL3A1 protein function. This variant has not been reported in the literature in individuals affected with COL3A1-related conditions. This variant is not present in population databases (gnomAD no frequency). This sequence change replaces glycine, which is neutral and non-polar, with glutamic acid, which is acidic and polar, at codon 618 of the COL3A1 protein (p.Gly618Glu).

Ambry Genetics
Classification: Likely pathogenic for Familial thoracic aortic aneurysm and aortic dissection. Last evaluated: 2021-09-10. Review status: criteria provided, single submitter. Criteria: Ambry Variant Classification Scheme 2023. Collection method: clinical testing. Allele origin: germline.
Comment: The p.G618E variant (also known as c.1853G>A), located in coding exon 26 of the COL3A1 gene, results from a G to A substitution at nucleotide position 1853. The glycine at codon 618 is replaced by glutamic acid, an amino acid with similar properties. The majority (approximately two-thirds) of COL3A1 mutations identified to date have involved the substitution of another amino acid for glycine within the triple-helical domain (Pepin MG et al. Genet Med. 2014;16(12):881-8; Frank M et al. Eur J Hum Genet. 2015;23(12):1657-64). Internal structural analysis indicates that this alteration disrupts the characteristic G-X-Y motif in the COL3A1 protein and inserts a bulky side chain into a sterically-constrained region (Bella J et al. Science. 1994;266:75-81; Hohenester E et al. Proc. Natl. Acad. Sci. U.S.A. 2008;105:18273-7; Ambry internal data). This variant is considered to be rare based on population cohorts in the Genome Aggregation Database (gnomAD). This amino acid position is highly conserved in available vertebrate species. In addition, this alteration is predicted to be deleterious by in silico analysis. Based on the majority of available evidence to date, this variant is likely to be pathogenic.

Literature cited by the submitters: PubMed 7695699 (cited by Labcorp Genetics (formerly Invitae), Labcorp); PubMed 8218237 (cited by Labcorp Genetics (formerly Invitae), Labcorp); PubMed 19344236 (cited by Labcorp Genetics (formerly Invitae), Labcorp); PubMed 24922459 (cited by Labcorp Genetics (formerly Invitae), Labcorp); PubMed 25758994 (cited by Labcorp Genetics (formerly Invitae), Labcorp).

NM_000090.4(COL3A1):c.1853G>A (p.Gly618Glu)

Gene: COL3A1 (collagen type III alpha 1 chain; plus strand). Cytogenetic location: 2q32.2.
Variant type: single nucleotide variant.
Coding change: c.1853G>A on transcript NM_000090.4 (MANE Select); coding-DNA position 1853, G replaced by A.
Protein change: p.Gly618Glu; replaces glycine 618 with glutamic acid.
Molecular consequence: missense variant.
Genome position (GRCh38, 1-based): chr2:188,997,373, G>A. VCF-style: chr2-188997373-G-A. GRCh37 (hg19) VCF-style: chr2-189862099-G-A.
Other names: short protein forms G618E.
Identifiers: ClinVar variation 1781376 (VCV001781376.7), dbSNP rs2469138189, ClinGen allele CA349853510.
Genomic context (GRCh38, chr2:188,997,373, plus strand): 5'-TCCCTAACTGTTCTTGTTTTTAGGGTCCTCCTGGAAAGAATGGTGAAACTGGACCTCAGG[G>A]ACCCCCAGGGCCTACTGTAAGTTCACTCATATAAAATTGGAGATGAAAATAGGGTGGAGG-3'
Protein context (NP_000081.2, residues 608-628): PGKNGETGPQ[Gly618Glu]PPGPTGPGGD